The following is an entry in ClinVar:

NM_013275.6(ANKRD11):c.6199A>G (p.Ser2067Gly)

Gene: ANKRD11 (ankyrin repeat domain 11; minus strand). Cytogenetic location: 16q24.3.
Variant type: single nucleotide variant.
Coding change: c.6199A>G on transcript NM_013275.6 (MANE Select); coding-DNA position 6199, A replaced by G.
Protein change: p.Ser2067Gly; replaces serine 2067 with glycine.
Molecular consequence: missense variant.
Genome position (GRCh38, 1-based): chr16:89,280,343, T>C on the plus strand (A>G on the coding strand, the complement: ANKRD11 is on the minus strand). VCF-style: chr16-89280343-T-C. GRCh37 (hg19) VCF-style: chr16-89346751-T-C.
Other names: c.6199A>G, p.Ser2067Gly (NM_001256182.2, NM_001256183.2); c.6199A>G (NM_013275.4); short protein forms S2067G.
Identifiers: ClinVar variation 2883204 (VCV002883204.4), dbSNP rs1567558766, ClinGen allele CA397151764.
Genomic context (GRCh38, chr16:89,280,343, plus strand): 5'-CTACACAGGCGGGCTCGGGGGCCACGTCCAGCGGGGCTTCCGGAAGTGACTTGCAGTTGC[T>C]GAAGAAGGACTCCAGCCCGGAGGGAGGGGCGTAGGGAGCCGCCTCTGAGGTGGAGATGGC-3'
Protein context (NP_037407.4, residues 2057-2077): APPSGLESFF[Ser2067Gly]NCKSLPEAPL

ClinVar aggregate classification (germline): Uncertain significance. Review status: criteria provided, multiple submitters, no conflicts (2 of 4 stars). 2 submissions from 2 submitters: Uncertain significance (2). Last evaluated 2025-12-08.

Conditions:
Inborn genetic diseases. Identifiers: MedGen C0950123, MeSH D030342.
KBG syndrome (KBGS). Also called: ANKRD11-Related KBG Syndrome. Identifiers: Orphanet 2332, MedGen C0220687, MONDO:0007846, OMIM 148050.

Allele frequency attached by ClinVar (database versions not stated): gnomAD exomes below 0.00001.
gnomAD v4.1: 2 of 1,577,302 alleles (0.00013%); highest among the groups gnomAD compares: Admixed American, 0.0018%; no homozygotes.

Submissions (2):

Ambry Genetics
Classification: Uncertain significance for Inborn genetic diseases. Last evaluated: 2025-12-08. Review status: criteria provided, single submitter. Criteria: Ambry Variant Classification Scheme 2023. Collection method: clinical testing. Allele origin: germline.
Comment: The c.6199A>G (p.S2067G) alteration is located in exon 9 (coding exon 7) of the ANKRD11 gene. This alteration results from a A to G substitution at nucleotide position 6199, causing the serine (S) at amino acid position 2067 to be replaced by a glycine (G). Based on data from gnomAD, the G allele has an overall frequency of <0.001% (1/210012) total alleles studied. The highest observed frequency was 0.003% (1/29946) of Latino alleles. Based on insufficient or conflicting evidence, the clinical significance of this alteration remains unclear.

Labcorp Genetics (formerly Invitae), Labcorp
Classification: Uncertain significance for KBG syndrome. Last evaluated: 2023-06-06. Review status: criteria provided, single submitter. Criteria: Invitae Variant Classification Sherloc (09022015). Collection method: clinical testing. Allele origin: germline.
Comment: This sequence change replaces serine, which is neutral and polar, with glycine, which is neutral and non-polar, at codon 2067 of the ANKRD11 protein (p.Ser2067Gly). The frequency data for this variant in the population databases is considered unreliable, as metrics indicate poor data quality at this position in the gnomAD database. This variant has not been reported in the literature in individuals affected with ANKRD11-related conditions. Advanced modeling of protein sequence and biophysical properties (such as structural, functional, and spatial information, amino acid conservation, physicochemical variation, residue mobility, and thermodynamic stability) performed at Invitae indicates that this missense variant is not expected to disrupt ANKRD11 protein function. In summary, the available evidence is currently insufficient to determine the role of this variant in disease. Therefore, it has been classified as a Variant of Uncertain Significance.